The following is an entry in ClinVar:

NM_001605.3(AARS1):c.962+1del

Gene: AARS1 (alanyl-tRNA synthetase 1; minus strand). Cytogenetic location: 16q22.1.
Variant type: Deletion.
Coding change: c.962+1del on transcript NM_001605.3 (MANE Select); the canonical splice donor site of the intron after coding-DNA position 962, one base deleted (G; older notation c.962+1delG).
Molecular consequence: splice donor variant.
Genome position (GRCh38, 1-based): chr16:70,269,617, C deleted on the plus strand (G on the coding strand, the reverse complement: AARS1 is on the minus strand); the first of 3 consecutive C bases (chr16:70,269,617-70,269,619); deleting any one gives the same sequence. VCF-style (leftmost placement, unchanged base first): chr16-70269616-AC-A. GRCh37 (hg19) VCF-style: chr16-70303519-AC-A.
Identifiers: ClinVar variation 861615 (VCV000861615.10), dbSNP rs1960348987, ClinGen allele CA916081831.

ClinVar aggregate classification (germline): Pathogenic (1 of 4 stars; one submission).

Conditions:
Charcot-Marie-Tooth disease type 2. Also called: Charcot-Marie-Tooth type 2. Identifiers: Orphanet 64746, MedGen C0270914, MONDO:0018993.

Submission:

Labcorp Genetics (formerly Invitae), Labcorp
Classification: Pathogenic for Charcot-Marie-Tooth disease type 2. Last evaluated: 2023-07-21. Review status: criteria provided, single submitter. Criteria: Invitae Variant Classification Sherloc (09022015). Collection method: clinical testing. Allele origin: germline.
Comment: This variant is also known as c.962+1del. For these reasons, this variant has been classified as Pathogenic. Algorithms developed to predict the effect of sequence changes on RNA splicing suggest that this variant may disrupt the consensus splice site. ClinVar contains an entry for this variant (Variation ID: 861615). This variant has not been reported in the literature in individuals affected with AARS-related conditions. This variant is not present in population databases (gnomAD no frequency). This sequence change creates a premature translational stop signal (p.Gly321Aspfs*4) in the AARS gene. It is expected to result in an absent or disrupted protein product. Loss-of-function variants in AARS are known to be pathogenic (PMID: 25817015, 28493438, 34446925).

Literature cited by the submitters: PubMed 25817015; PubMed 28493438; PubMed 34446925.